The following is an entry in ClinVar:

ClinVar aggregate classification (germline): Uncertain significance. Review status: criteria provided, multiple submitters, no conflicts (2 of 4 stars). 2 submissions from 2 submitters: Uncertain significance (2). Last evaluated 2026-07-06.

Conditions:
Endometrial carcinoma. Also called: Endometrial carcinoma, somatic. Identifiers: MedGen C0476089, MONDO:0002447, OMIM 608089, HP:0012114.
Hereditary cancer-predisposing syndrome. Also called: Hereditary neoplastic syndrome; Hereditary Cancer Syndrome; Neoplastic Syndromes, Hereditary; Tumor predisposition. Identifiers: Orphanet 140162, MedGen C0027672, MeSH D009386, MONDO:0015356.

Submissions (2):

Ambry Genetics
Classification: Uncertain significance for Hereditary cancer-predisposing syndrome. Last evaluated: 2026-07-06. Review status: criteria provided, single submitter. Criteria: Ambry Variant Classification Scheme 2023. Collection method: clinical testing. Allele origin: germline.
Comment: The p.Q798P variant (also known as c.2393A>C), located in coding exon 17 of the MSH3 gene, results from an A to C substitution at nucleotide position 2393. The glutamine at codon 798 is replaced by proline, an amino acid with similar properties. This amino acid position is conserved. In addition, this alteration is predicted to be deleterious by in silico analysis. Based on the available evidence, the clinical significance of this variant remains unclear.

Baylor Genetics
Classification: Uncertain significance for Endometrial carcinoma. Last evaluated: 2023-08-28. Review status: criteria provided, single submitter. Criteria: ACMG Guidelines, 2015. Collection method: clinical testing. Allele origin: unknown.

NM_002439.5(MSH3):c.2393A>C (p.Gln798Pro)

Gene: MSH3 (mutS homolog 3; plus strand). Cytogenetic location: 5q14.1.
Variant type: single nucleotide variant.
Coding change: c.2393A>C on transcript NM_002439.5 (MANE Select); coding-DNA position 2393, A replaced by C.
Protein change: p.Gln798Pro; replaces glutamine 798 with proline.
Molecular consequence: missense variant.
Genome position (GRCh38, 1-based): chr5:80,778,794, A>C. VCF-style: chr5-80778794-A-C. GRCh37 (hg19) VCF-style: chr5-80074613-A-C.
Other names: c.2393A>C (NM_002439.3); short protein forms Q798P.
Identifiers: ClinVar variation 2676749 (VCV002676749.2), dbSNP rs760376846, ClinGen allele CA360281851.